The following is an entry in ClinVar:

NM_016169.4(SUFU):c.320T>G (p.Phe107Cys)

Gene: SUFU (SUFU negative regulator of hedgehog signaling; plus strand). Cytogenetic location: 10q24.32.
Variant type: single nucleotide variant.
Coding change: c.320T>G on transcript NM_016169.4 (MANE Select); coding-DNA position 320, T replaced by G.
Protein change: p.Phe107Cys; replaces phenylalanine 107 with cysteine.
Molecular consequence: missense variant.
Genome position (GRCh38, 1-based): chr10:102,549,972, T>G. VCF-style: chr10-102549972-T-G. GRCh37 (hg19) VCF-style: chr10-104309729-T-G.
Other names: c.320T>G, p.Phe107Cys (NM_001178133.2); short protein forms F107C.
Identifiers: ClinVar variation 2954028 (VCV002954028.3), dbSNP rs2544968758, ClinGen allele CA377902967.

ClinVar aggregate classification (germline): Uncertain significance (1 of 4 stars; one submission).

Conditions:
Medulloblastoma (MDB). Also called: MEDULLOBLASTOMA PREDISPOSITION SYNDROME; Medulloblastoma, somatic. Identifiers: Orphanet 616, MedGen C0025149, MeSH D008527, MONDO:0007959, OMIM 155255, HP:0002885.
Gorlin syndrome. Also called: Nevoid Basal Cell Carcinoma Syndrome; Basal cell nevus syndrome. Identifiers: Orphanet 377, MedGen C0004779, MONDO:0007187.

Submission:

Labcorp Genetics (formerly Invitae), Labcorp
Classification: Uncertain significance for Gorlin syndrome; Medulloblastoma. Last evaluated: 2023-11-19. Review status: criteria provided, single submitter. Criteria: Invitae Variant Classification Sherloc (09022015). Collection method: clinical testing. Allele origin: germline.
Comment: This sequence change replaces phenylalanine, which is neutral and non-polar, with cysteine, which is neutral and slightly polar, at codon 107 of the SUFU protein (p.Phe107Cys). This variant is not present in population databases (gnomAD no frequency). This variant has not been reported in the literature in individuals affected with SUFU-related conditions. An algorithm developed to predict the effect of missense changes on protein structure and function (PolyPhen-2) suggests that this variant is likely to be tolerated. In summary, the available evidence is currently insufficient to determine the role of this variant in disease. Therefore, it has been classified as a Variant of Uncertain Significance.